The following is an entry in ClinVar:

NM_014861.4(ATP2C2):c.2334-8C>T

Genes: ATP2C2 (ATPase secretory pathway Ca2+ transporting 2; plus strand), ATP2C2-AS1 (ATP2C2 antisense RNA 1; minus strand). Cytogenetic location: 16q24.1.
Variant type: single nucleotide variant.
Coding change: c.2334-8C>T on transcript NM_014861.4 (MANE Select); 8 bases into the intron before coding-DNA position 2334, C replaced by T.
Molecular consequence: intron variant. On other transcripts: non-coding transcript variant (1).
Genome position (GRCh38, 1-based): chr16:84,460,646, C>T. VCF-style: chr16-84460646-C-T. GRCh37 (hg19) VCF-style: chr16-84494252-C-T.
Other names: c.2421-8C>T (NM_001286527.3); c.1881-8C>T (NM_001291454.2); c.2334-8C>T (NM_014861.3).
Identifiers: ClinVar variation 1304241 (VCV001304241.5), dbSNP rs72806651, ClinGen allele CA8208300.

ClinVar aggregate classification (germline): Benign. Review status: criteria provided, multiple submitters, no conflicts (2 of 4 stars). 3 submissions from 3 submitters: Benign (2). 1 of the submissions does not count toward it. Last evaluated 2021-07-19.

Conditions:
ATP2C2-related disorder. Also called: ATP2C2-related condition.

Allele frequency attached by ClinVar (database versions not stated): 1000 Genomes Project 0.04353; 1000 Genomes Project 30x 0.04419; ESP Exome Variant Server 0.10356.
gnomAD v4.1: 207,540 of 1,613,884 alleles (13%); highest among the groups gnomAD compares: Non-Finnish European, 15%; 15,411 homozygotes.

Submissions (3):

GeneDx
Classification: Benign. Last evaluated: 2021-07-19. Review status: criteria provided, single submitter. Criteria: GeneDx Variant Classification Process June 2021. Collection method: clinical testing. Allele origin: germline. Affected: yes.

Breakthrough Genomics
Classification: Benign. Review status: criteria provided, single submitter. Criteria: ACMG Guidelines, 2015. Collection method: not provided. Allele origin: germline. Inheritance: Unknown mechanism. Affected: yes.

PreventionGenetics, part of Exact Sciences
Classification: Benign for ATP2C2-related condition. Last evaluated: 2019-10-30. Review status: no assertion criteria provided. Collection method: clinical testing. Allele origin: germline. Not counted in ClinVar's aggregate classification.
Comment: This variant is classified as benign based on ACMG/AMP sequence variant interpretation guidelines (Richards et al. 2015 PMID: 25741868, with internal and published modifications).